The following is an entry in ClinVar:

ClinVar aggregate classification (germline): Uncertain significance (1 of 4 stars; one submission).

Conditions:
Werner syndrome (WRN). Identifiers: Orphanet 902, MedGen C0043119, MONDO:0010196, OMIM 277700.

Allele frequency attached by ClinVar (database versions not stated): gnomAD exomes 0.00001 and 0.00002; ExAC 0.00003.
gnomAD v4.1: 19 of 1,612,454 alleles (0.0012%); highest among the groups gnomAD compares: Non-Finnish European, 0.0015%; no homozygotes.

Submission:

Labcorp Genetics (formerly Invitae), Labcorp
Classification: Uncertain significance for Werner syndrome. Last evaluated: 2025-12-13. Review status: criteria provided, single submitter. Criteria: Invitae Variant Classification Sherloc (09022015). Collection method: clinical testing. Allele origin: germline.
Comment: This sequence change replaces cysteine, which is neutral and slightly polar, with serine, which is neutral and polar, at codon 817 of the WRN protein (p.Cys817Ser). This variant is present in population databases (rs774308552, gnomAD 0.003%). This variant has not been reported in the literature in individuals affected with WRN-related conditions. ClinVar contains an entry for this variant (Variation ID: 404049). An algorithm developed to predict the effect of missense changes on protein structure and function (PolyPhen-2) suggests that this variant is likely to be disruptive. In summary, the available evidence is currently insufficient to determine the role of this variant in disease. Therefore, it has been classified as a Variant of Uncertain Significance.

NM_000553.6(WRN):c.2450G>C (p.Cys817Ser)

Gene: WRN (WRN RecQ like helicase; plus strand). Cytogenetic location: 8p12.
Variant type: single nucleotide variant.
Coding change: c.2450G>C on transcript NM_000553.6 (MANE Select); coding-DNA position 2450, G replaced by C.
Protein change: p.Cys817Ser; replaces cysteine 817 with serine.
Molecular consequence: missense variant.
Genome position (GRCh38, 1-based): chr8:31,120,244, G>C. VCF-style: chr8-31120244-G-C. GRCh37 (hg19) VCF-style: chr8-30977760-G-C.
Other names: short protein forms C817S.
Identifiers: ClinVar variation 404049 (VCV000404049.6), dbSNP rs774308552, ClinGen allele CA4704760.